The following is an entry in ClinVar:

ClinVar aggregate classification (germline): Likely benign. Review status: criteria provided, multiple submitters, no conflicts (2 of 4 stars). 3 submissions from 3 submitters: Likely benign (3). Last evaluated 2025-09-01.

Conditions:
Perlman syndrome (PRLMNS). Identifiers: Orphanet 2849, MedGen C0796113, MONDO:0009965, OMIM 267000.

Allele frequency attached by ClinVar (database versions not stated): gnomAD 0.00001; TOPMed 0.00001; ExAC 0.00008.
gnomAD v4.1: 34 of 1,610,350 alleles (0.0021%); highest among the groups gnomAD compares: Middle Eastern, 0.016%; no homozygotes.

Submissions (3):

Labcorp Genetics (formerly Invitae), Labcorp
Classification: Likely benign for Perlman syndrome. Last evaluated: 2025-09-01. Review status: criteria provided, single submitter. Criteria: Invitae Variant Classification Sherloc (09022015). Collection method: clinical testing. Allele origin: germline.

CeGaT Center for Human Genetics Tuebingen
Classification: Likely benign. Last evaluated: 2025-04-01. Review status: criteria provided, single submitter. Criteria: CeGaT Center For Human Genetics Tuebingen Variant Classification Criteria Version 2. Collection method: clinical testing. Allele origin: germline. Affected: yes. Observed: 1 variant allele.
Comment: DIS3L2: BP4, BP7

Blueprint Genetics
Classification: Likely benign. Last evaluated: 2023-10-16. Review status: criteria provided, single submitter. Criteria: ACMG Guidelines, 2015. Collection method: clinical testing. Allele origin: germline.

NM_152383.5(DIS3L2):c.336C>T (p.Val112=)

Gene: DIS3L2 (DIS3 like 3'-5' exoribonuclease 2; plus strand). Cytogenetic location: 2q37.1.
Variant type: single nucleotide variant.
Coding change: c.336C>T on transcript NM_152383.5 (MANE Select); coding-DNA position 336, C replaced by T.
Protein change: p.Val112=; no amino-acid change (valine 112 retained).
Molecular consequence: synonymous variant. On other transcripts: non-coding transcript variant (2).
Genome position (GRCh38, 1-based): chr2:232,030,050, C>T. VCF-style: chr2-232030050-C-T. GRCh37 (hg19) VCF-style: chr2-232894760-C-T.
Other names: c.336C>T, p.Val112= (NM_001257281.2, NM_001257282.2).
Identifiers: ClinVar variation 463115 (VCV000463115.19), dbSNP rs755653632, ClinGen allele CA2163796.